The following is an entry in ClinVar:

NM_004304.5(ALK):c.2510C>G (p.Pro837Arg)

Gene: ALK (ALK receptor tyrosine kinase; minus strand). Cytogenetic location: 2p23.2.
Variant type: single nucleotide variant.
Coding change: c.2510C>G on transcript NM_004304.5 (MANE Select); coding-DNA position 2510, C replaced by G.
Protein change: p.Pro837Arg; replaces proline 837 with arginine.
Molecular consequence: missense variant.
Genome position (GRCh38, 1-based): chr2:29,232,426, G>C on the plus strand (C>G on the coding strand, the complement: ALK is on the minus strand). VCF-style: chr2-29232426-G-C. GRCh37 (hg19) VCF-style: chr2-29455292-G-C.
Other names: short protein forms P837R.
Identifiers: ClinVar variation 2693937 (VCV002693937.3), dbSNP rs759483564, ClinGen allele CA346471999.

ClinVar aggregate classification (germline): Uncertain significance (1 of 4 stars; one submission).

Conditions:
Neuroblastoma, susceptibility to, 3. Also called: ALK-Related Neuroblastic Tumor Susceptibility. Identifiers: Orphanet 635, MedGen C2751681, MONDO:0013083, OMIM 613014.

Submission:

Labcorp Genetics (formerly Invitae), Labcorp
Classification: Uncertain significance for Neuroblastoma, susceptibility to, 3. Last evaluated: 2023-11-07. Review status: criteria provided, single submitter. Criteria: Invitae Variant Classification Sherloc (09022015). Collection method: clinical testing. Allele origin: germline.
Comment: This sequence change replaces proline, which is neutral and non-polar, with arginine, which is basic and polar, at codon 837 of the ALK protein (p.Pro837Arg). This variant is not present in population databases (gnomAD no frequency). This variant has not been reported in the literature in individuals affected with ALK-related conditions. An algorithm developed to predict the effect of missense changes on protein structure and function (PolyPhen-2) suggests that this variant is likely to be disruptive. In summary, the available evidence is currently insufficient to determine the role of this variant in disease. Therefore, it has been classified as a Variant of Uncertain Significance.